The following is an entry in ClinVar:

NM_020832.3(ZNF687):c.950A>G (p.Asn317Ser)

Gene: ZNF687 (zinc finger protein 687; plus strand). Cytogenetic location: 1q21.3.
Variant type: single nucleotide variant.
Coding change: c.950A>G on transcript NM_020832.3 (MANE Select); coding-DNA position 950, A replaced by G.
Protein change: p.Asn317Ser; replaces asparagine 317 with serine.
Molecular consequence: missense variant.
Genome position (GRCh38, 1-based): chr1:151,287,241, A>G. VCF-style: chr1-151287241-A-G. GRCh37 (hg19) VCF-style: chr1-151259717-A-G.
Other names: c.950A>G, p.Asn317Ser (NM_001304763.2, NM_001304764.2); short protein forms N317S.
Identifiers: ClinVar variation 2960151 (VCV002960151.3), dbSNP rs764321766, ClinGen allele CA1088249.

ClinVar aggregate classification (germline): Uncertain significance (1 of 4 stars; one submission).

Allele frequency attached by ClinVar (database versions not stated): gnomAD exomes below 0.00001; ExAC 0.00001.
gnomAD v4.1: 5 of 1,614,184 alleles (0.00031%); highest among the groups gnomAD compares: Admixed American, 0.0033%; no homozygotes.

Submission:

Labcorp Genetics (formerly Invitae), Labcorp
Classification: Uncertain significance. Last evaluated: 2023-05-28. Review status: criteria provided, single submitter. Criteria: Invitae Variant Classification Sherloc (09022015). Collection method: clinical testing. Allele origin: germline.
Comment: This variant is present in population databases (rs764321766, gnomAD 0.003%). This sequence change replaces asparagine, which is neutral and polar, with serine, which is neutral and polar, at codon 317 of the ZNF687 protein (p.Asn317Ser). This variant has not been reported in the literature in individuals affected with ZNF687-related conditions. An algorithm developed to predict the effect of missense changes on protein structure and function (PolyPhen-2) suggests that this variant is likely to be tolerated. In summary, the available evidence is currently insufficient to determine the role of this variant in disease. Therefore, it has been classified as a Variant of Uncertain Significance.